The following is an entry in ClinVar:

ClinVar aggregate classification (germline): Likely benign. Review status: criteria provided, multiple submitters, no conflicts (2 of 4 stars). 3 submissions from 3 submitters: Likely benign (2). 1 of the submissions does not count toward it. Last evaluated 2024-08-05.

Conditions:
RBP3-related disorder. Also called: RBP3-related condition.

Allele frequency attached by ClinVar (database versions not stated): TOPMed 0.00004; gnomAD 0.00002 and 0.00003; gnomAD exomes 0.00002 and 0.00004; ExAC 0.00004.
gnomAD v4.1: 39 of 1,613,930 alleles (0.0024%); highest among the groups gnomAD compares: Non-Finnish European, 0.00025%; no homozygotes.

Submissions (3):

Labcorp Genetics (formerly Invitae), Labcorp
Classification: Likely benign. Last evaluated: 2024-08-05. Review status: criteria provided, single submitter. Criteria: Invitae Variant Classification Sherloc (09022015). Collection method: clinical testing. Allele origin: germline.

CeGaT Center for Human Genetics Tuebingen
Classification: Likely benign. Last evaluated: 2022-05-01. Review status: criteria provided, single submitter. Criteria: CeGaT Center For Human Genetics Tuebingen Variant Classification Criteria Version 2. Collection method: clinical testing. Allele origin: germline. Affected: yes. Observed: 1 variant allele.
Comment: RBP3: BP4

PreventionGenetics, part of Exact Sciences
Classification: Likely benign for RBP3-related condition. Last evaluated: 2019-07-23. Review status: no assertion criteria provided. Collection method: clinical testing. Allele origin: germline. Not counted in ClinVar's aggregate classification.
Comment: This variant is classified as likely benign based on ACMG/AMP sequence variant interpretation guidelines (Richards et al. 2015 PMID: 25741868, with internal and published modifications).

NM_002900.3(RBP3):c.3525C>T (p.Cys1175=)

Gene: RBP3 (retinol binding protein 3; plus strand). Cytogenetic location: 10q11.22.
Variant type: single nucleotide variant.
Coding change: c.3525C>T on transcript NM_002900.3 (MANE Select); coding-DNA position 3525, C replaced by T.
Protein change: p.Cys1175=; no amino-acid change (cysteine 1175 retained).
Molecular consequence: synonymous variant.
Genome position (GRCh38, 1-based): chr10:47,357,238, C>T. VCF-style: chr10-47357238-C-T. GRCh37 (hg19) VCF-style: chr10-48382124-G-A.
Other names: c.3525C>T (NM_002900.2).
Identifiers: ClinVar variation 1149960 (VCV001149960.35), dbSNP rs782214435, ClinGen allele CA5487024.
Genomic context (GRCh38, chr10:47,357,238, plus strand): 5'-CTATATCATGAAGAGGCTGGGCCGGGCCCTGGTCATTGGGGAGGTGACCAGTGGGGGCTG[C>T]CAGCCACCACAGACCTACCACGTGGATGACACCAACCTCTACCTCACTATCCCCACGGCC-3'
Protein context (NP_002891.1, residues 1165-1185): LVIGEVTSGG[Cys1175=]QPPQTYHVDD